The following is an entry in ClinVar:

NM_001128840.3(CACNA1D):c.181A>G (p.Arg61Gly)

Gene: CACNA1D (calcium voltage-gated channel subunit alpha1 D; plus strand). Cytogenetic location: 3p21.1.
Variant type: single nucleotide variant.
Coding change: c.181A>G on transcript NM_001128840.3 (MANE Select); coding-DNA position 181, A replaced by G.
Protein change: p.Arg61Gly; replaces arginine 61 with glycine.
Molecular consequence: missense variant.
Genome position (GRCh38, 1-based): chr3:53,497,265, A>G. VCF-style: chr3-53497265-A-G. GRCh37 (hg19) VCF-style: chr3-53531292-A-G.
Other names: c.181A>G, p.Arg61Gly (NM_000720.4, NM_001128839.3); short protein forms R61G.
Identifiers: ClinVar variation 3621810 (VCV003621810.2).
Genomic context (GRCh38, chr3:53,497,265, plus strand): 5'-TCTCAGCCGAATAGCTCCAAGCAAACTGTCCTGTCTTGGCAAGCTGCAATCGATGCTGCT[A>G]GACAGGCCAAGGCTGCCCAAACTATGAGCACCTCTGCACCCCCACCTGTAGGATCTCTCT-3'
Protein context (NP_001122312.1, residues 51-71): LSWQAAIDAA[Arg61Gly]QAKAAQTMST

ClinVar aggregate classification (germline): Uncertain significance (1 of 4 stars; one submission).

gnomAD v4.1: 12 of 1,614,068 alleles (0.00074%); highest among the groups gnomAD compares: Non-Finnish European, 0.001%; no homozygotes.

Submission:

Labcorp Genetics (formerly Invitae), Labcorp
Classification: Uncertain significance. Last evaluated: 2024-11-05. Review status: criteria provided, single submitter. Criteria: Invitae Variant Classification Sherloc (09022015). Collection method: clinical testing. Allele origin: germline.
Comment: This sequence change replaces arginine, which is basic and polar, with glycine, which is neutral and non-polar, at codon 61 of the CACNA1D protein (p.Arg61Gly). This variant is present in population databases (no rsID available, gnomAD 0.002%). This variant has not been reported in the literature in individuals affected with CACNA1D-related conditions. An algorithm developed to predict the effect of missense changes on protein structure and function (PolyPhen-2) suggests that this variant is likely to be disruptive. In summary, the available evidence is currently insufficient to determine the role of this variant in disease. Therefore, it has been classified as a Variant of Uncertain Significance.